The following is an entry in ClinVar:

ClinVar aggregate classification (germline): Uncertain significance (1 of 4 stars; one submission).

Conditions:
DIAPH3-related disorder. Also called: DIAPH3-related condition.

gnomAD v4.1: 4 of 1,608,376 alleles (0.00025%); highest among the groups gnomAD compares: Non-Finnish European, 0.00034%; no homozygotes.

Submission:

PreventionGenetics, part of Exact Sciences
Classification: Uncertain significance for DIAPH3-related condition. Last evaluated: 2026-07-06. Review status: criteria provided, single submitter. Criteria: ACMG Guidelines, 2015. Collection method: clinical testing. Allele origin: germline.
Comment: The DIAPH3 c.2002G>C variant is predicted to result in the amino acid substitution p.Val668Leu. To our knowledge, this variant has not been reported in the literature. This variant is reported in 0.0018% of alleles in individuals of European (Non-Finnish) descent in gnomAD. At this time, the clinical significance of this variant is uncertain due to the absence of conclusive functional and genetic evidence.

NM_001042517.2(DIAPH3):c.2002G>C (p.Val668Leu)

Gene: DIAPH3 (diaphanous related formin 3; minus strand). Cytogenetic location: 13q21.2.
Variant type: single nucleotide variant.
Coding change: c.2002G>C on transcript NM_001042517.2 (MANE Select); coding-DNA position 2002, G replaced by C.
Protein change: p.Val668Leu; replaces valine 668 with leucine.
Molecular consequence: missense variant.
Genome position (GRCh38, 1-based): chr13:59,970,016, C>G on the plus strand (G>C on the coding strand, the complement: DIAPH3 is on the minus strand). VCF-style: chr13-59970016-C-G. GRCh37 (hg19) VCF-style: chr13-60544150-C-G.
Other names: c.1969G>C, p.Val657Leu (NM_001258366.2); c.1864G>C, p.Val622Leu (NM_001258367.2); c.1792G>C, p.Val598Leu (NM_001258368.2); c.2002G>C, p.Val668Leu (NM_001258369.2); c.1213G>C, p.Val405Leu (NM_001258370.2, NM_030932.4); short protein forms V657L, V405L, V598L, V622L, V668L.
Identifiers: ClinVar variation 4990045 (VCV004990045.1).